The following is an entry in ClinVar:

ClinVar aggregate classification (germline): Uncertain significance. Review status: criteria provided, multiple submitters, no conflicts (2 of 4 stars). 2 submissions from 2 submitters: Uncertain significance (2). Last evaluated 2025-05-19.

Conditions:
Bone mineral density quantitative trait locus 1 (BMND1). Identifiers: MedGen C1866079, OMIM 601884.
Worth disease. Also called: ENDOSTEAL HYPEROSTOSIS, AUTOSOMAL DOMINANT; OSTEOSCLEROSIS, AUTOSOMAL DOMINANT; Autosomal dominant osteosclerosis, Worth type. Identifiers: Orphanet 2790, MedGen C0432273, MONDO:0007764, OMIM 144750.
Osteoporosis with pseudoglioma (OPPG). Also called: osteoporosis-pseudoglioma syndrome. Identifiers: Orphanet 2788, MedGen C0432252, MONDO:0009820, OMIM 259770.
Polycystic liver disease 4 with or without kidney cysts. Identifiers: MedGen C4693479, MONDO:0044327, OMIM 617875.
Exudative vitreoretinopathy 4 (EVR4). Identifiers: Orphanet 891, MedGen C1866176, MONDO:0011151, OMIM 601813.
Autosomal dominant osteopetrosis 1 (OPTA1). Also called: OSTEOPETROSIS, AUTOSOMAL DOMINANT, TYPE I. Identifiers: Orphanet 2783, MedGen C1843330, MONDO:0011877, OMIM 607634.

Submissions (2):

Labcorp Genetics (formerly Invitae), Labcorp
Classification: Uncertain significance. Last evaluated: 2025-05-19. Review status: criteria provided, single submitter. Criteria: Invitae Variant Classification Sherloc (09022015). Collection method: clinical testing. Allele origin: germline.
Comment: This variant, c.4228_4242dup, results in the insertion of 5 amino acid(s) of the LRP5 protein (p.Val1410_Arg1414dup), but otherwise preserves the integrity of the reading frame. This variant is present in population databases (rs749080949, gnomAD 0.002%). This variant has not been reported in the literature in individuals affected with LRP5-related conditions. ClinVar contains an entry for this variant (Variation ID: 2799167). In summary, the available evidence is currently insufficient to determine the role of this variant in disease. Therefore, it has been classified as a Variant of Uncertain Significance.

Fulgent Genetics
Classification: Uncertain significance for Worth disease; Osteoporosis with pseudoglioma; Exudative vitreoretinopathy 4; Bone mineral density quantitative trait locus 1; Autosomal dominant osteopetrosis 1; Polycystic liver disease 4 with or without kidney cysts. Last evaluated: 2023-12-27. Review status: criteria provided, single submitter. Criteria: ACMG Guidelines, 2015. Collection method: clinical testing. Allele origin: germline.

NM_002335.4(LRP5):c.4228_4242dup (p.Arg1414_Tyr1415insValValCysGlnArg)

Gene: LRP5 (LDL receptor related protein 5; plus strand). Cytogenetic location: 11q13.2.
Variant type: Duplication.
Coding change: c.4228_4242dup on transcript NM_002335.4 (MANE Select); coding-DNA positions 4228 to 4242, 15 bases duplicated (GTGGTGTGCCAGCGC).
Protein change: p.Arg1414_Tyr1415insValValCysGlnArg.
Molecular consequence: inframe insertion.
Genome position (GRCh38, 1-based): chr11:68,438,562-68,438,576, GTGGTGTGCCAGCGC duplicated; duplicating any 15 consecutive bases within chr11:68,438,550-68,438,576 gives the same sequence; the c. name uses the placement nearest the transcript's 3' end. VCF-style (leftmost placement, unchanged base first): chr11-68438549-T-TGTGTGCCAGCGCGTG. GRCh37 (hg19) VCF-style: chr11-68206017-T-TGTGTGCCAGCGCGTG.
Other names: c.2485_2499dup, p.Arg833_Tyr834insValValCysGlnArg (NM_001291902.2).
Identifiers: ClinVar variation 2799167 (VCV002799167.4), dbSNP rs749080949, ClinGen allele CA6150282.
Genomic context (GRCh38, chr11:68,438,549, plus strand): 5'-TGCCATCGGGCCCGTCATTGGCATCATCCTCTCTCTCTTCGTCATGGGTGGTGTCTATTT[T>TGTGTGCCAGCGCGTG]GTGTGCCAGCGCGTGGTGTGCCAGCGCTATGCGGGGGCCAACGGGCCCTTCCCGCACGAG-3'